The following is an entry in ClinVar:

ClinVar aggregate classification (germline): Uncertain significance. Review status: criteria provided, multiple submitters, no conflicts (2 of 4 stars). 2 submissions from 2 submitters: Uncertain significance (2). Last evaluated 2025-06-07.

Submissions (2):

Labcorp Genetics (formerly Invitae), Labcorp
Classification: Uncertain significance. Last evaluated: 2025-06-07. Review status: criteria provided, single submitter. Criteria: Invitae Variant Classification Sherloc (09022015). Collection method: clinical testing. Allele origin: germline.
Comment: This sequence change replaces serine, which is neutral and polar, with threonine, which is neutral and polar, at codon 373 of the GATA5 protein (p.Ser373Thr). This variant is not present in population databases (gnomAD no frequency). This variant has not been reported in the literature in individuals affected with GATA5-related conditions. ClinVar contains an entry for this variant (Variation ID: 1505829). An algorithm developed to predict the effect of missense changes on protein structure and function (PolyPhen-2) suggests that this variant is likely to be tolerated. In summary, the available evidence is currently insufficient to determine the role of this variant in disease. Therefore, it has been classified as a Variant of Uncertain Significance.

GeneDx
Classification: Uncertain significance. Last evaluated: 2024-07-24. Review status: criteria provided, single submitter. Criteria: GeneDx Variant Classification Process June 2021. Collection method: clinical testing. Allele origin: germline. Affected: yes.
Comment: Has not been previously published as pathogenic or benign to our knowledge; Not observed at significant frequency in large population cohorts (gnomAD); In silico analysis indicates that this missense variant does not alter protein structure/function

NM_080473.5(GATA5):c.1117T>A (p.Ser373Thr)

Gene: GATA5 (GATA binding protein 5; minus strand). Cytogenetic location: 20q13.33.
Variant type: single nucleotide variant.
Coding change: c.1117T>A on transcript NM_080473.5 (MANE Select); coding-DNA position 1117, T replaced by A.
Protein change: p.Ser373Thr; replaces serine 373 with threonine.
Molecular consequence: missense variant.
Genome position (GRCh38, 1-based): chr20:62,464,913, A>T on the plus strand (T>A on the coding strand, the complement: GATA5 is on the minus strand). VCF-style: chr20-62464913-A-T. GRCh37 (hg19) VCF-style: chr20-61039969-A-T.
Other names: c.1117T>A (NM_080473.4); short protein forms S373T.
Identifiers: ClinVar variation 1505829 (VCV001505829.9), dbSNP rs2146479405, ClinGen allele CA409551717.